The following is an entry in ClinVar:

NM_001080779.2(MYO1C):c.518G>A (p.Arg173Gln)

Gene: MYO1C (myosin IC; minus strand). Cytogenetic location: 17p13.3.
Variant type: single nucleotide variant.
Coding change: c.518G>A on transcript NM_001080779.2 (MANE Select); coding-DNA position 518, G replaced by A.
Protein change: p.Arg173Gln; replaces arginine 173 with glutamine.
Molecular consequence: missense variant.
Genome position (GRCh38, 1-based): chr17:1,482,889, C>T on the plus strand (G>A on the coding strand, the complement: MYO1C is on the minus strand). VCF-style: chr17-1482889-C-T. GRCh37 (hg19) VCF-style: chr17-1386183-C-T.
Other names: c.461G>A, p.Arg154Gln (NM_001080950.2); c.446G>A, p.Arg149Gln (NM_001363855.1); c.413G>A, p.Arg138Gln (NM_033375.5); short protein forms R138Q, R173Q, R149Q, R154Q.
Identifiers: ClinVar variation 681901 (VCV000681901.1), dbSNP rs148694544, ClinGen allele CA8268004.

ClinVar aggregate classification (germline): Likely benign (1 of 4 stars; one submission).

Allele frequency attached by ClinVar (database versions not stated): 1000 Genomes Project 30x 0.00031; ESP Exome Variant Server 0.00054; 1000 Genomes Project 0.00060; gnomAD 0.00093 and 0.00094; ExAC 0.00114; TOPMed 0.00114; gnomAD exomes 0.00116.
gnomAD v4.1: 1,736 of 1,611,112 alleles (0.11%); highest among the groups gnomAD compares: Admixed American, 0.13%; no homozygotes.

Submission:

GeneDx
Classification: Likely benign. Last evaluated: 2018-04-20. Review status: criteria provided, single submitter. Criteria: GeneDx Variant Classification (06012015). Collection method: clinical testing. Allele origin: germline. Affected: yes.
Comment: This variant is considered likely benign or benign based on one or more of the following criteria: it is a conservative change, it occurs at a poorly conserved position in the protein, it is predicted to be benign by multiple in silico algorithms, and/or has population frequency not consistent with disease.